The following is an entry in ClinVar:

NM_002206.3(ITGA7):c.3325C>T (p.Arg1109Trp)

Gene: ITGA7 (integrin subunit alpha 7; minus strand). Cytogenetic location: 12q13.2.
Variant type: single nucleotide variant.
Coding change: c.3325C>T on transcript NM_002206.3 (MANE Select); coding-DNA position 3325, C replaced by T.
Protein change: p.Arg1109Trp; replaces arginine 1109 with tryptophan.
Molecular consequence: missense variant.
Genome position (GRCh38, 1-based): chr12:55,685,147, G>A on the plus strand (C>T on the coding strand, the complement: ITGA7 is on the minus strand). VCF-style: chr12-55685147-G-A. GRCh37 (hg19) VCF-style: chr12-56078931-G-A.
Other names: c.3337C>T, p.Arg1113Trp (NM_001144996.2); c.3046C>T, p.Arg1016Trp (NM_001144997.2); c.2998C>T, p.Arg1000Trp (NM_001367993.1); c.1981C>T, p.Arg661Trp (NM_001367994.1); c.3307C>T, p.Arg1103Trp (NM_001374465.1); c.3457C>T, p.Arg1153Trp (NM_001410977.1); c.3319C>T, p.Arg1107Trp (NM_001414029.1); c.3250C>T, p.Arg1084Trp (NM_001414030.1); and 5 more; short protein forms R1016W, R1109W, R1113W, R1000W, R661W, R1103W, R1153W, R996W.
Identifiers: ClinVar variation 309777 (VCV000309777.7), dbSNP rs117803261, ClinGen allele CA10642005.

ClinVar aggregate classification (germline): Uncertain significance (1 of 4 stars; one submission).

Conditions:
Congenital muscular dystrophy due to integrin alpha-7 deficiency. Also called: MYOPATHY, CONGENITAL, DUE TO INTEGRIN ALPHA-7 DEFICIENCY; Congenital muscular dystrophy with integrin alpha-7 deficiency; Muscular dystrophy, congenital, due to ITGA7 deficiency. Identifiers: Orphanet 34520, MedGen C2750786, MONDO:0013177, OMIM 613204.

Allele frequency attached by ClinVar (database versions not stated): gnomAD 0.00001 and 0.00003; TOPMed 0.00002; gnomAD exomes 0.00003 and 0.00004; 1000 Genomes Project 30x 0.00016; 1000 Genomes Project 0.00020.
gnomAD v4.1: 58 of 1,613,768 alleles (0.0036%); highest among the groups gnomAD compares: East Asian, 0.082%; no homozygotes.

Submission:

Labcorp Genetics (formerly Invitae), Labcorp
Classification: Uncertain significance for Congenital muscular dystrophy due to integrin alpha-7 deficiency. Last evaluated: 2022-06-23. Review status: criteria provided, single submitter. Criteria: Invitae Variant Classification Sherloc (09022015). Collection method: clinical testing. Allele origin: germline.
Comment: This sequence change replaces arginine, which is basic and polar, with tryptophan, which is neutral and slightly polar, at codon 1109 of the ITGA7 protein (p.Arg1109Trp). This variant is present in population databases (rs117803261, gnomAD 0.006%). This variant has not been reported in the literature in individuals affected with ITGA7-related conditions. ClinVar contains an entry for this variant (Variation ID: 309777). Algorithms developed to predict the effect of missense changes on protein structure and function output the following: SIFT: "Tolerated"; PolyPhen-2: "Benign"; Align-GVGD: "Class C0". The tryptophan amino acid residue is found in multiple mammalian species, which suggests that this missense change does not adversely affect protein function. Algorithms developed to predict the effect of sequence changes on RNA splicing suggest that this variant may create or strengthen a splice site. In summary, the available evidence is currently insufficient to determine the role of this variant in disease. Therefore, it has been classified as a Variant of Uncertain Significance.